The following is an entry in ClinVar:

NM_138694.4(PKHD1):c.5966T>C (p.Leu1989Pro)

Gene: PKHD1 (PKHD1 ciliary IPT domain containing fibrocystin/polyductin; minus strand). Cytogenetic location: 6p12.2.
Variant type: single nucleotide variant.
Coding change: c.5966T>C on transcript NM_138694.4 (MANE Select); coding-DNA position 5966, T replaced by C.
Protein change: p.Leu1989Pro; replaces leucine 1989 with proline.
Molecular consequence: missense variant.
Genome position (GRCh38, 1-based): chr6:51,934,265, A>G on the plus strand (T>C on the coding strand, the complement: PKHD1 is on the minus strand). VCF-style: chr6-51934265-A-G. GRCh37 (hg19) VCF-style: chr6-51799063-A-G.
Other names: c.5966T>C, p.Leu1989Pro (NM_170724.3); short protein forms L1989P.
Identifiers: ClinVar variation 3382121 (VCV003382121.2).

ClinVar aggregate classification (germline): Uncertain significance (1 of 4 stars; one submission).

Conditions:
Polycystic kidney disease 4 (PKD4). Also called: POLYCYSTIC KIDNEY AND HEPATIC DISEASE 1; POLYCYSTIC KIDNEY DISEASE, INFANTILE, TYPE I; PKD3; Autosomal Recessive Polycystic Kidney Disease – PKHD1; POLYCYSTIC KIDNEY DISEASE 4 WITH OR WITHOUT POLYCYSTIC LIVER DISEASE. Identifiers: MedGen C4540575, MONDO:0033004, OMIM 263200.

gnomAD v4.1: 1 of 1,613,610 alleles (0.000062%); highest among the groups gnomAD compares: Non-Finnish European, 0.000085%; no homozygotes.

Submission:

Juno Genomics, Hangzhou Juno Genomics, Inc
Classification: Uncertain significance for Polycystic kidney disease 4. Review status: criteria provided, single submitter. Criteria: ACMG Guidelines, 2015. Collection method: clinical testing. Allele origin: germline. Affected: yes.
Comment: Absent from controls (or at extremely low frequency if recessive) in Genome Aggregation Database, Exome Sequencing Project, 1000 Genomes Project, or Exome Aggregation Consortium.;Multiple lines of computational evidence support a deleterious effect on the gene or gene product (conservation, evolutionary, splicing impact, etc).